The following is an entry in ClinVar:

ClinVar aggregate classification (germline): Uncertain significance (1 of 4 stars; one submission).

Conditions:
Candidiasis, familial, 8 (CANDF8). Identifiers: Orphanet 1334, MedGen C3714992, MONDO:0014230, OMIM 615527.

Allele frequency attached by ClinVar (database versions not stated): gnomAD exomes 0.00001; ExAC 0.00003.
gnomAD v4.1: 12 of 1,572,136 alleles (0.00076%); highest among the groups gnomAD compares: South Asian, 0.012%; no homozygotes.

Submission:

Labcorp Genetics (formerly Invitae), Labcorp
Classification: Uncertain significance for Candidiasis, familial, 8. Last evaluated: 2022-08-22. Review status: criteria provided, single submitter. Criteria: Invitae Variant Classification Sherloc (09022015). Collection method: clinical testing. Allele origin: germline.
Comment: In summary, the available evidence is currently insufficient to determine the role of this variant in disease. Therefore, it has been classified as a Variant of Uncertain Significance. Algorithms developed to predict the effect of missense changes on protein structure and function are either unavailable or do not agree on the potential impact of this missense change (SIFT: "Tolerated"; PolyPhen-2: "Possibly Damaging"; Align-GVGD: "Class C0"). This variant has not been reported in the literature in individuals affected with TRAF3IP2-related conditions. This variant is present in population databases (rs766872305, gnomAD 0.02%). This sequence change replaces alanine, which is neutral and non-polar, with aspartic acid, which is acidic and polar, at codon 285 of the TRAF3IP2 protein (p.Ala285Asp).

NM_147686.4(TRAF3IP2):c.854C>A (p.Ala285Asp)

Genes: TRAF3IP2 (TRAF3 interacting protein 2; minus strand), TRAF3IP2-AS1 (TRAF3IP2 antisense RNA 1; plus strand). Cytogenetic location: 6q21.
Variant type: single nucleotide variant.
Coding change: c.854C>A on transcript NM_147686.4 (MANE Select); coding-DNA position 854, C replaced by A.
Protein change: p.Ala285Asp; replaces alanine 285 with aspartic acid.
Molecular consequence: missense variant.
Genome position (GRCh38, 1-based): chr6:111,580,365, G>T on the plus strand (C>A on the coding strand, the complement: TRAF3IP2 is on the minus strand). VCF-style: chr6-111580365-G-T. GRCh37 (hg19) VCF-style: chr6-111901568-G-T.
Other names: c.854C>A, p.Ala285Asp (NM_001164281.3); c.881C>A, p.Ala294Asp (NM_147200.3); short protein forms A285D, A294D.
Identifiers: ClinVar variation 1717622 (VCV001717622.5), dbSNP rs766872305, ClinGen allele CA3963233.